The following is an entry in ClinVar:

NM_006208.3(ENPP1):c.1227_1232delinsC (p.Glu409fs)

Gene: ENPP1 (ectonucleotide pyrophosphatase/phosphodiesterase 1; plus strand). Cytogenetic location: 6q23.2.
Variant type: Indel.
Coding change: c.1227_1232delinsC on transcript NM_006208.3 (MANE Select); coding-DNA positions 1227 to 1232, GCTGAA replaced by C.
Protein change: p.Glu409fs; shifts the reading frame from glutamic acid 409.
Molecular consequence: frameshift variant.
Genome position (GRCh38, 1-based): chr6:131,868,080-131,868,085, GCTGAA replaced by C. VCF-style: chr6-131868080-GCTGAA-C. GRCh37 (hg19) VCF-style: chr6-132189220-GCTGAA-C.
Other names: short protein forms E409fs.
Identifiers: ClinVar variation 4856847 (VCV004856847.2).

ClinVar aggregate classification (germline): Likely pathogenic (1 of 4 stars; one submission).

Submission:

Dasa
Classification: Likely pathogenic. Last evaluated: 2025-01-08. Review status: criteria provided, single submitter. Criteria: DASA Assertion Criteria. Collection method: clinical testing. Allele origin: germline.
Comment: NM_006208.3(ENPP1):c.1227_1232delinsC (p.Glu409Aspfs*22) is a frameshift variant in ENPP1 predicted to alter the reading frame and introduce a premature termination codon and is predicted to result in an absent or altered protein product. Loss of function is an established disease mechanism for ENPP1-associated disorders. Also, this variant is absent from population databases. Based on the currently available evidence, this variant is classified as likely pathogenic.